The following is an entry in ClinVar:

ClinVar aggregate classification (germline): Uncertain significance (1 of 4 stars; one submission).

Conditions:
Inborn genetic diseases. Identifiers: MedGen C0950123, MeSH D030342.

Submission:

Ambry Genetics
Classification: Uncertain significance for Inborn genetic diseases. Last evaluated: 2026-06-06. Review status: criteria provided, single submitter. Criteria: Ambry Variant Classification Scheme 2023. Collection method: clinical testing. Allele origin: germline.
Comment: The p.H857R variant (also known as c.2570A>G), located in coding exon 9 of the MECOM gene, results from an A to G substitution at nucleotide position 2570. The histidine at codon 857 is replaced by arginine, an amino acid with highly similar properties. This amino acid position is conserved. In addition, this alteration is predicted to be deleterious by in silico analysis. Based on the available evidence, the clinical significance of this variant remains unclear.

NM_004991.4(MECOM):c.2570A>G (p.His857Arg)

Gene: MECOM (MDS1 and EVI1 complex locus; minus strand). Cytogenetic location: 3q26.2.
Variant type: single nucleotide variant.
Coding change: c.2570A>G on transcript NM_004991.4 (MANE Select); coding-DNA position 2570, A replaced by G.
Protein change: p.His857Arg; replaces histidine 857 with arginine.
Molecular consequence: missense variant.
Genome position (GRCh38, 1-based): chr3:169,112,794, T>C on the plus strand (A>G on the coding strand, the complement: MECOM is on the minus strand). VCF-style: chr3-169112794-T-C. GRCh37 (hg19) VCF-style: chr3-168830582-T-C.
Other names: c.2201A>G, p.His734Arg (NM_001105077.4); c.2006A>G, p.His669Arg (NM_001105078.4, NM_001164000.2, NM_001205194.2 and 4 more transcripts); c.2009A>G, p.His670Arg (NM_001163999.2, NM_001366467.2, NM_001366468.2 and 1 more transcripts); c.2570A>G, p.His857Arg (NM_001366466.2); c.1598A>G, p.His533Arg (NM_001366473.2); c.1034A>G, p.His345Arg (NM_001366474.2); short protein forms H669R, H857R, H734R, H345R, H533R, H670R.
Identifiers: ClinVar variation 4105932 (VCV004105932.2).